The following is an entry in ClinVar:

ClinVar aggregate classification (germline): Uncertain significance. Review status: criteria provided, multiple submitters, no conflicts (2 of 4 stars). 3 submissions from 3 submitters: Uncertain significance (3). Last evaluated 2026-08-21.

Conditions:
Mucopolysaccharidosis, MPS-III-B (MPS3B). Also called: MPS IIIB (Sanfilippo Syndrome Type B); N-ACETYL-ALPHA-D-GLUCOSAMINIDASE DEFICIENCY; NAGLU DEFICIENCY; MUCOPOLYSACCHARIDOSIS, TYPE IIIB; Mucopolysaccharidosis type IIIB (Sanfilippo B); SANFILIPPO SYNDROME B. Identifiers: Orphanet 79270, MedGen C0086648, MONDO:0009656, OMIM 252920.
Charcot-Marie-Tooth disease axonal type 2V. Also called: CHARCOT-MARIE-TOOTH NEUROPATHY, TYPE 2V; CHARCOT-MARIE-TOOTH DISEASE, AXONAL, AUTOSOMAL DOMINANT, TYPE 2V. Identifiers: Orphanet 447964, MedGen C5569050, MONDO:0014665, OMIM 616491.

Allele frequency attached by ClinVar (database versions not stated): gnomAD exomes 0.00001; ExAC 0.00001; TOPMed 0.00002; gnomAD 0.00001.
gnomAD v4.1: 13 of 1,614,020 alleles (0.00081%); highest among the groups gnomAD compares: African/African-American, 0.0013%; no homozygotes.

Submissions (3):

Myriad Genetics, Inc.
Classification: Uncertain significance for Mucopolysaccharidosis, MPS-III-B. Last evaluated: 2026-08-21. Review status: criteria provided, single submitter. Criteria: Myriad Autosomal Dominant, Autosomal Recessive and X-Linked Classification Criteria (2023). Collection method: clinical testing. Allele origin: unknown.
Comment: NM_000263.3(NAGLU):c.384-10C>G is an intronic variant classified as a variant of uncertain significance in the context of mucopolysaccharidosis type IIIB. c.384-10C>G has not been observed in cases with relevant disease. Relevant functional assessments of this variant are not available in the literature. c.384-10C>G has been observed in referenced population frequency databases. In summary, there is insufficient evidence to classify NM_000263.3(NAGLU):c.384-10C>G as pathogenic or benign. Please note: this variant was assessed in the context of healthy population screening.

Labcorp Genetics (formerly Invitae), Labcorp
Classification: Uncertain significance for Charcot-Marie-Tooth disease axonal type 2V; Mucopolysaccharidosis, MPS-III-B. Last evaluated: 2022-06-30. Review status: criteria provided, single submitter. Criteria: Invitae Variant Classification Sherloc (09022015). Collection method: clinical testing. Allele origin: germline.
Comment: This sequence change falls in intron 1 of the NAGLU gene. It does not directly change the encoded amino acid sequence of the NAGLU protein. This variant is present in population databases (rs772996063, gnomAD 0.0009%). This variant has not been reported in the literature in individuals affected with NAGLU-related conditions. ClinVar contains an entry for this variant (Variation ID: 1304935). Algorithms developed to predict the effect of sequence changes on RNA splicing suggest that this variant may disrupt the consensus splice site. In summary, the available evidence is currently insufficient to determine the role of this variant in disease. Therefore, it has been classified as a Variant of Uncertain Significance.

GeneDx
Classification: Uncertain significance. Last evaluated: 2019-04-16. Review status: criteria provided, single submitter. Criteria: GeneDx Variant Classification Process June 2021. Collection method: clinical testing. Allele origin: germline. Affected: yes.
Comment: Has not been previously published as pathogenic or benign to our knowledge

NM_000263.4(NAGLU):c.384-10C>G

Gene: NAGLU (N-acetyl-alpha-glucosaminidase; plus strand). Cytogenetic location: 17q21.2.
Variant type: single nucleotide variant.
Coding change: c.384-10C>G on transcript NM_000263.4 (MANE Select); 10 bases into the intron before coding-DNA position 384, C replaced by G.
Molecular consequence: intron variant.
Genome position (GRCh38, 1-based): chr17:42,537,388, C>G. VCF-style: chr17-42537388-C-G. GRCh37 (hg19) VCF-style: chr17-40689406-C-G.
Identifiers: ClinVar variation 1304935 (VCV001304935.5), dbSNP rs772996063, ClinGen allele CA8576752.